The following is an entry in ClinVar:

NM_004380.3(CREBBP):c.720T>G (p.Ala240=)

Gene: CREBBP (CREB binding lysine acetyltransferase; minus strand). Cytogenetic location: 16p13.3.
Variant type: single nucleotide variant.
Coding change: c.720T>G on transcript NM_004380.3 (MANE Select); coding-DNA position 720, T replaced by G.
Protein change: p.Ala240=; no amino-acid change (alanine 240 retained).
Molecular consequence: synonymous variant.
Genome position (GRCh38, 1-based): chr16:3,850,375, A>C on the plus strand (T>G on the coding strand, the complement: CREBBP is on the minus strand). VCF-style: chr16-3850375-A-C. GRCh37 (hg19) VCF-style: chr16-3900376-A-C.
Other names: c.720T>G, p.Ala240= (NM_001079846.1).
Identifiers: ClinVar variation 5002462 (VCV005002462.1).

ClinVar aggregate classification (germline): Likely benign (1 of 4 stars; one submission).

Conditions:
CREBBP-related disorder. Also called: CREBBP-related condition; CREBBP-related disorders.

gnomAD v4.1: 1 of 1,614,244 alleles (0.000062%); highest among the groups gnomAD compares: African/African-American, 0.0013%; no homozygotes.

Submission:

PreventionGenetics, part of Exact Sciences
Classification: Likely benign for CREBBP-related condition. Last evaluated: 2025-06-13. Review status: criteria provided, single submitter. Criteria: ACMG Guidelines, 2015. Collection method: clinical testing. Allele origin: germline.
Comment: This variant is classified as likely benign based on ACMG/AMP sequence variant interpretation guidelines (Richards et al. 2015 PMID: 25741868, with internal and published modifications).